The following is an entry in ClinVar:

NM_001278064.2(GRM1):c.1741A>T (p.Ile581Phe)

Gene: GRM1 (glutamate metabotropic receptor 1; plus strand). Cytogenetic location: 6q24.3.
Variant type: single nucleotide variant.
Coding change: c.1741A>T on transcript NM_001278064.2 (MANE Select); coding-DNA position 1741, A replaced by T.
Protein change: p.Ile581Phe; replaces isoleucine 581 with phenylalanine.
Molecular consequence: missense variant.
Genome position (GRCh38, 1-based): chr6:146,398,780, A>T. VCF-style: chr6-146398780-A-T. GRCh37 (hg19) VCF-style: chr6-146719916-A-T.
Other names: c.1741A>T, p.Ile581Phe (NM_001278065.2, NM_001278066.1, NM_001278067.1); short protein forms I581F.
Identifiers: ClinVar variation 3235759 (VCV003235759.1), dbSNP rs2483994032, ClinGen allele CA366193833.

ClinVar aggregate classification (germline): Uncertain significance (1 of 4 stars; one submission).

Submission:

Greenwood Genetic Center Diagnostic Laboratories, Greenwood Genetic Center
Classification: Uncertain significance. Last evaluated: 2024-02-26. Review status: criteria provided, single submitter. Criteria: ACMG Guidelines, 2015. Collection method: clinical testing. Allele origin: germline. Affected: yes.
Comment: Gene of Uncertain Significance